The following is an entry in ClinVar:

NM_004706.4(ARHGEF1):c.1894G>C (p.Asp632His)

Gene: ARHGEF1 (Rho guanine nucleotide exchange factor 1; plus strand). Cytogenetic location: 19q13.2.
Variant type: single nucleotide variant.
Coding change: c.1894G>C on transcript NM_004706.4 (MANE Select); coding-DNA position 1894, G replaced by C.
Protein change: p.Asp632His; replaces aspartic acid 632 with histidine.
Molecular consequence: missense variant.
Genome position (GRCh38, 1-based): chr19:41,903,761, G>C. VCF-style: chr19-41903761-G-C. GRCh37 (hg19) VCF-style: chr19-42407913-G-C.
Other names: c.1795G>C, p.Asp599His (NM_198977.2); c.1939G>C, p.Asp647His (NM_199002.2); short protein forms D632H, D647H, D599H.
Identifiers: ClinVar variation 1478355 (VCV001478355.8), dbSNP rs1555849523, ClinGen allele CA406064070.

ClinVar aggregate classification (germline): Uncertain significance (1 of 4 stars; one submission).

Submission:

Labcorp Genetics (formerly Invitae), Labcorp
Classification: Uncertain significance. Last evaluated: 2022-08-09. Review status: criteria provided, single submitter. Criteria: Invitae Variant Classification Sherloc (09022015). Collection method: clinical testing. Allele origin: germline.
Comment: Algorithms developed to predict the effect of missense changes on protein structure and function are either unavailable or do not agree on the potential impact of this missense change (SIFT: "Deleterious"; PolyPhen-2: "Possibly Damaging"; Align-GVGD: "Class C0"). ClinVar contains an entry for this variant (Variation ID: 1478355). This variant has not been reported in the literature in individuals affected with ARHGEF1-related conditions. This variant is not present in population databases (gnomAD no frequency). This sequence change replaces aspartic acid, which is acidic and polar, with histidine, which is basic and polar, at codon 647 of the ARHGEF1 protein (p.Asp647His). In summary, the available evidence is currently insufficient to determine the role of this variant in disease. Therefore, it has been classified as a Variant of Uncertain Significance.